The following is an entry in ClinVar:

ClinVar aggregate classification (germline): Conflicting classifications of pathogenicity. Review status: criteria provided, conflicting classifications (1 of 4 stars). 6 submissions from 6 submitters: Uncertain significance (5); Likely benign (1). Last evaluated 2025-12-01.

Conditions:
Pulmonary fibrosis and/or bone marrow failure syndrome, telomere-related, 8 (PFBMFT8). Identifiers: MedGen C5830496, MONDO:0957263, OMIM 620367.
Tumor predisposition syndrome 3 (TPDS3). Also called: Glioma susceptibility 9; LONG TELOMERE SYNDROME, POT1-RELATED; POT1 Tumor Predisposition; Melanoma, cutaneous malignant, susceptibility to, 10. Identifiers: Orphanet 618, MedGen C4014476, MONDO:0014368, OMIM 615848.
Cerebroretinal microangiopathy with calcifications and cysts 3 (CRMCC3). Identifiers: MedGen C5830497, MONDO:0957264, OMIM 620368.
POT1-related disorder. Also called: POT1-related condition.
Hereditary cancer-predisposing syndrome. Also called: Hereditary neoplastic syndrome; Hereditary Cancer Syndrome; Neoplastic Syndromes, Hereditary; Tumor predisposition. Identifiers: Orphanet 140162, MedGen C0027672, MeSH D009386, MONDO:0015356.

Allele frequency attached by ClinVar (database versions not stated): gnomAD 0.00004; TOPMed 0.00005; ExAC 0.00002.

Submissions (6):

Labcorp Genetics (formerly Invitae), Labcorp
Classification: Uncertain significance for Tumor predisposition syndrome 3. Last evaluated: 2025-12-01. Review status: criteria provided, single submitter. Criteria: Invitae Variant Classification Sherloc (09022015). Collection method: clinical testing. Allele origin: germline.
Comment: This sequence change replaces histidine, which is basic and polar, with arginine, which is basic and polar, at codon 393 of the POT1 protein (p.His393Arg). This variant is present in population databases (rs746416077, gnomAD 0.004%). This missense change has been observed in individual(s) with melanoma (PMID: 36539277). ClinVar contains an entry for this variant (Variation ID: 475027). Invitae Evidence Modeling of protein sequence and biophysical properties (such as structural, functional, and spatial information, amino acid conservation, physicochemical variation, residue mobility, and thermodynamic stability) indicates that this missense variant is not expected to disrupt POT1 protein function with a negative predictive value of 80%. RNA analysis performed to evaluate the impact of this missense change on mRNA splicing indicates it does not significantly alter splicing (internal data). In summary, the available evidence is currently insufficient to determine the role of this variant in disease. Therefore, it has been classified as a Variant of Uncertain Significance.

Fulgent Genetics
Classification: Uncertain significance for Tumor predisposition syndrome 3; Pulmonary fibrosis and/or bone marrow failure syndrome, telomere-related, 8; Cerebroretinal microangiopathy with calcifications and cysts 3. Last evaluated: 2024-05-21. Review status: criteria provided, single submitter. Criteria: ACMG Guidelines, 2015. Collection method: clinical testing. Allele origin: germline.

Quest Diagnostics Nichols Institute San Juan Capistrano
Classification: Uncertain significance. Last evaluated: 2024-03-06. Review status: criteria provided, single submitter. Criteria: Quest Diagnostics criteria. Collection method: clinical testing. Allele origin: unknown.
Comment: The POT1 c.1178A>G (p.His393Arg) variant has not been reported in individuals with POT1-related conditions in the published literature. The frequency of this variant in the general population, 0.000039 (5/128268 chromosomes (Genome Aggregation Database)), is uninformative in the assessment of its pathogenicity. Analysis of this variant using bioinformatics tools for the prediction of the effect of amino acid changes on protein structure and function yielded predictions that this variant is benign. Additional analysis using software algorithms for the prediction of the effect of nucleotide changes on POT1 mRNA splicing yielded predictions that this variant may result in the gain of a cryptic splice site without affecting the natural splice sites. Based on the available information, we are unable to determine the clinical significance of this variant.

PreventionGenetics, part of Exact Sciences
Classification: Uncertain significance for POT1-related condition. Last evaluated: 2022-09-08. Review status: criteria provided, single submitter. Criteria: ACMG Guidelines, 2015. Collection method: clinical testing. Allele origin: germline.
Comment: The POT1 c.1178A>G variant is predicted to result in the amino acid substitution p.His393Arg. This variant was reported as a variant of uncertain significance in 3 cases and 3 controls in a cutaneous melanoma case-control study (Supp Table 1). This variant is reported in 0.0039% of alleles in individuals of European (Non-Finnish) descent in gnomAD. In ClinVar, it is interpreted as likely benign/uncertain. At this time, the clinical significance of this variant is uncertain due to the absence of conclusive functional and genetic evidence.

GeneDx
Classification: Uncertain significance. Last evaluated: 2020-04-06. Review status: criteria provided, single submitter. Criteria: GeneDx Variant Classification Process June 2021. Collection method: clinical testing. Allele origin: germline. Affected: yes.
Comment: Not observed at a significant frequency in large population cohorts (Lek 2016); While protein-based in silico analysis supports that this missense variant does not alter protein structure/function, splice predictors suggest this variant may impact gene splicing. In the absence of RNA or functional studies, the actual effect of this sequence change is unknown.; Has not been previously published as pathogenic or benign to our knowledge

Ambry Genetics
Classification: Likely benign for Hereditary cancer-predisposing syndrome. Last evaluated: 2019-01-25. Review status: criteria provided, single submitter. Criteria: Ambry Variant Classification Scheme 2023. Collection method: clinical testing. Allele origin: germline.

Literature cited by the submitters: PubMed 36539277 (cited by Labcorp Genetics (formerly Invitae), Labcorp).

NM_015450.3(POT1):c.1178A>G (p.His393Arg)

Gene: POT1 (protection of telomeres 1; minus strand). Cytogenetic location: 7q31.33.
Variant type: single nucleotide variant.
Coding change: c.1178A>G on transcript NM_015450.3 (MANE Select); coding-DNA position 1178, A replaced by G.
Protein change: p.His393Arg; replaces histidine 393 with arginine.
Molecular consequence: missense variant. On other transcripts: non-coding transcript variant (3).
Genome position (GRCh38, 1-based): chr7:124,841,164, T>C on the plus strand (A>G on the coding strand, the complement: POT1 is on the minus strand). VCF-style: chr7-124841164-T-C. GRCh37 (hg19) VCF-style: chr7-124481218-T-C.
Other names: c.785A>G, p.His262Arg (NM_001042594.2); short protein forms H393R, H262R.
Identifiers: ClinVar variation 475027 (VCV000475027.18), dbSNP rs746416077, ClinGen allele CA4465194.